The following is an entry in ClinVar:

ClinVar aggregate classification (germline): Uncertain significance. Review status: criteria provided, multiple submitters, no conflicts (2 of 4 stars). 2 submissions from 2 submitters: Uncertain significance (2). Last evaluated 2024-11-06.

Conditions:
Familial isolated arrhythmogenic right ventricular dysplasia. Identifiers: Orphanet 217656, MedGen C4274968, MONDO:0016342.
Arrhythmogenic right ventricular dysplasia 11. Also called: ARRHYTHMOGENIC RIGHT VENTRICULAR DYSPLASIA, FAMILIAL, 11; Arrhythmogenic Right Ventricular Dysplasia/Cardiomyopathy11; Arrhythmogenic right ventricular dysplasia 11 with mild palmoplantar keratoderma and woolly hair. Identifiers: MedGen C1864850, MONDO:0012506, OMIM 610476.

gnomAD v4.1: 3 of 1,613,846 alleles (0.00019%); highest among the groups gnomAD compares: South Asian, 0.0011%; no homozygotes.

Submissions (2):

Labcorp Genetics (formerly Invitae), Labcorp
Classification: Uncertain significance for Arrhythmogenic right ventricular dysplasia 11. Last evaluated: 2024-11-06. Review status: criteria provided, single submitter. Criteria: Invitae Variant Classification Sherloc (09022015). Collection method: clinical testing. Allele origin: germline.
Comment: This sequence change replaces aspartic acid, which is acidic and polar, with valine, which is neutral and non-polar, at codon 609 of the DSC2 protein (p.Asp609Val). This variant is not present in population databases (gnomAD no frequency). This variant has not been reported in the literature in individuals affected with DSC2-related conditions. Invitae Evidence Modeling of protein sequence and biophysical properties (such as structural, functional, and spatial information, amino acid conservation, physicochemical variation, residue mobility, and thermodynamic stability) indicates that this missense variant is not expected to disrupt DSC2 protein function with a negative predictive value of 80%. In summary, the available evidence is currently insufficient to determine the role of this variant in disease. Therefore, it has been classified as a Variant of Uncertain Significance.

All of Us Research Program, National Institutes of Health
Classification: Uncertain significance for Familial isolated arrhythmogenic right ventricular dysplasia. Last evaluated: 2024-06-09. Review status: criteria provided, single submitter. Criteria: ACMG Guidelines, 2015. Collection method: clinical testing. Allele origin: germline. Inheritance: Autosomal dominant inheritance. Observed: 1 variant allele, 1 heterozygote.
Comment: This missense variant replaces aspartic acid with valine at codon 609 of the DSC2 protein. Computational prediction suggests that this variant may not impact protein structure and function (internally defined REVEL score threshold <= 0.5, PMID: 27666373). To our knowledge, functional studies have not been reported for this variant. This variant has not been reported in individuals affected with DSC2-related disorders in the literature. This variant has not been identified in the general population by the Genome Aggregation Database (gnomAD). The available evidence is insufficient to determine the role of this variant in disease conclusively. Therefore, this variant is classified as a Variant of Uncertain Significance.

This study involves interpretation of variants in research participants for the purpose of population health screening. Participant phenotype was not available at the time of variant classification. Additional details can be found in publication PMID: 35346344, PMCID: PMC8962531

NM_024422.6(DSC2):c.1826A>T (p.Asp609Val)

Gene: DSC2 (desmocollin 2; minus strand). Cytogenetic location: 18q12.1.
Variant type: single nucleotide variant.
Coding change: c.1826A>T on transcript NM_024422.6 (MANE Select); coding-DNA position 1826, A replaced by T.
Protein change: p.Asp609Val; replaces aspartic acid 609 with valine.
Molecular consequence: missense variant.
Genome position (GRCh38, 1-based): chr18:31,074,745, T>A on the plus strand (A>T on the coding strand, the complement: DSC2 is on the minus strand). VCF-style: chr18-31074745-T-A. GRCh37 (hg19) VCF-style: chr18-28654711-T-A.
Other names: c.1397A>T, p.Asp466Val (NM_001406506.1, NM_001406507.1); c.1826A>T, p.Asp609Val (NM_004949.5); short protein forms D466V, D609V.
Identifiers: ClinVar variation 3386520 (VCV003386520.3).